The following is an entry in ClinVar:

ClinVar aggregate classification (germline): Uncertain significance (1 of 4 stars; one submission).

Allele frequency attached by ClinVar (database versions not stated): gnomAD exomes below 0.00001; ExAC 0.00001; 1000 Genomes Project 30x 0.00016; 1000 Genomes Project 0.00020.
gnomAD v4.1: 11 of 1,614,208 alleles (0.00068%); highest among the groups gnomAD compares: Admixed American, 0.017%; no homozygotes.

Submission:

Labcorp Genetics (formerly Invitae), Labcorp
Classification: Uncertain significance. Last evaluated: 2022-06-27. Review status: criteria provided, single submitter. Criteria: Invitae Variant Classification Sherloc (09022015). Collection method: clinical testing. Allele origin: germline.
Comment: This sequence change replaces glutamic acid, which is acidic and polar, with aspartic acid, which is acidic and polar, at codon 98 of the CUL7 protein (p.Glu98Asp). This variant is present in population databases (rs531068723, gnomAD 0.003%). This variant has not been reported in the literature in individuals affected with CUL7-related conditions. ClinVar contains an entry for this variant (Variation ID: 1054614). Algorithms developed to predict the effect of missense changes on protein structure and function output the following: SIFT: "Tolerated"; PolyPhen-2: "Benign"; Align-GVGD: "Class C0". The aspartic acid amino acid residue is found in multiple mammalian species, which suggests that this missense change does not adversely affect protein function. In summary, the available evidence is currently insufficient to determine the role of this variant in disease. Therefore, it has been classified as a Variant of Uncertain Significance.

NM_014780.5(CUL7):c.294G>C (p.Glu98Asp)

Gene: CUL7 (cullin 7; minus strand). Cytogenetic location: 6p21.1.
Variant type: single nucleotide variant.
Coding change: c.294G>C on transcript NM_014780.5 (MANE Select); coding-DNA position 294, G replaced by C.
Protein change: p.Glu98Asp; replaces glutamic acid 98 with aspartic acid.
Molecular consequence: missense variant.
Genome position (GRCh38, 1-based): chr6:43,052,495, C>G on the plus strand (G>C on the coding strand, the complement: CUL7 is on the minus strand). VCF-style: chr6-43052495-C-G. GRCh37 (hg19) VCF-style: chr6-43020233-C-G.
Other names: c.294G>C, p.Glu98Asp (NM_001168370.2, NM_001374872.1, NM_001374873.1 and 1 more transcripts); short protein forms E98D.
Identifiers: ClinVar variation 1054614 (VCV001054614.4), dbSNP rs531068723, ClinGen allele CA3814420.